The following is an entry in ClinVar:

ClinVar aggregate classification (germline): Uncertain significance. Review status: criteria provided, multiple submitters, no conflicts (2 of 4 stars). 3 submissions from 3 submitters: Uncertain significance (3). Last evaluated 2025-02-05.

Allele frequency attached by ClinVar (database versions not stated): gnomAD 0.00001; TOPMed 0.00003.

Submissions (3):

Labcorp Genetics (formerly Invitae), Labcorp
Classification: Uncertain significance. Last evaluated: 2025-02-05. Review status: criteria provided, single submitter. Criteria: Invitae Variant Classification Sherloc (09022015). Collection method: clinical testing. Allele origin: germline.
Comment: This sequence change replaces alanine, which is neutral and non-polar, with valine, which is neutral and non-polar, at codon 42 of the ARHGEF10 protein (p.Ala42Val). This variant is present in population databases (rs775076236, gnomAD 0.01%). This variant has not been reported in the literature in individuals affected with ARHGEF10-related conditions. ClinVar contains an entry for this variant (Variation ID: 2150296). An algorithm developed to predict the effect of missense changes on protein structure and function (PolyPhen-2) suggests that this variant is likely to be disruptive. In summary, the available evidence is currently insufficient to determine the role of this variant in disease. Therefore, it has been classified as a Variant of Uncertain Significance.

Ambry Genetics
Classification: Uncertain significance. Last evaluated: 2023-02-15. Review status: criteria provided, single submitter. Criteria: Ambry Variant Classification Scheme 2023. Collection method: clinical testing. Allele origin: germline.

Mayo Clinic Laboratories, Mayo Clinic
Classification: Uncertain significance. Last evaluated: 2022-03-09. Review status: criteria provided, single submitter. Criteria: ACMG Guidelines, 2015. Collection method: clinical testing. Allele origin: germline. Observed: 1 variant allele.
Comment: BP4

NM_014629.4(ARHGEF10):c.125C>T (p.Ala42Val)

Gene: ARHGEF10 (Rho guanine nucleotide exchange factor 10; plus strand). Cytogenetic location: 8p23.3.
Variant type: single nucleotide variant.
Coding change: c.125C>T on transcript NM_014629.4 (MANE Select); coding-DNA position 125, C replaced by T.
Protein change: p.Ala42Val; replaces alanine 42 with valine.
Molecular consequence: missense variant.
Genome position (GRCh38, 1-based): chr8:1,858,047, C>T. VCF-style: chr8-1858047-C-T. GRCh37 (hg19) VCF-style: chr8-1806213-C-T.
Other names: p.Ala42Val; c.125C>T, p.Ala42Val (NM_001308152.2, NM_001308153.3); short protein forms A42V, A66V.
Identifiers: ClinVar variation 2150296 (VCV002150296.7), dbSNP rs775076236, ClinGen allele CA4599592.